The following is an entry in ClinVar:

ClinVar aggregate classification (germline): Uncertain significance. Review status: criteria provided, multiple submitters, no conflicts (2 of 4 stars). 4 submissions from 4 submitters: Uncertain significance (4). Last evaluated 2026-09-02.

Conditions:
Hereditary cancer-predisposing syndrome. Also called: Hereditary Cancer Syndrome; Tumor predisposition; Hereditary neoplastic syndrome; Neoplastic Syndromes, Hereditary. Identifiers: Orphanet 140162, MedGen C0027672, MeSH D009386, MONDO:0015356.
Familial cancer of breast. Also called: Hereditary breast cancer; hereditary breast carcinoma; BREAST CANCER, FAMILIAL. Identifiers: Orphanet 227535, MedGen C0346153, MONDO:0016419, OMIM 114480. Disease mechanism: loss of function.

Submissions (4):

Ambry Genetics
Classification: Uncertain significance for Hereditary cancer-predisposing syndrome. Last evaluated: 2026-09-02. Review status: criteria provided, single submitter. Criteria: Ambry Variant Classification Scheme 2023. Collection method: clinical testing. Allele origin: germline.
Comment: The p.E159G variant (also known as c.476A>G), located in coding exon 4 of the PALB2 gene, results from an A to G substitution at nucleotide position 476. The glutamic acid at codon 159 is replaced by glycine, an amino acid with similar properties. This amino acid position is conserved. In addition, this alteration is predicted to be tolerated by in silico analysis. Based on the available evidence, the clinical significance of this variant remains unclear.

Color Diagnostics, LLC DBA Color Health
Classification: Uncertain significance for Hereditary cancer-predisposing syndrome. Last evaluated: 2023-12-05. Review status: criteria provided, single submitter. Criteria: ACMG Guidelines, 2015. Collection method: clinical testing. Allele origin: germline.
Comment: This missense variant replaces glutamic acid with glycine at codon 159 of the PALB2 protein. Computational prediction suggests that this variant may not impact protein structure and function (internally defined REVEL score threshold <= 0.5, PMID: 27666373). To our knowledge, functional studies have not been reported for this variant. This variant has not been reported in individuals affected with PALB2-related disorders in the literature. This variant has not been identified in the general population by the Genome Aggregation Database (gnomAD). The available evidence is insufficient to determine the role of this variant in disease conclusively. Therefore, this variant is classified as a Variant of Uncertain Significance.

Labcorp Genetics (formerly Invitae), Labcorp
Classification: Uncertain significance for Familial cancer of breast. Last evaluated: 2019-07-26. Review status: criteria provided, single submitter. Criteria: Invitae Variant Classification Sherloc (09022015). Collection method: clinical testing. Allele origin: germline.
Comment: In summary, the available evidence is currently insufficient to determine the role of this variant in disease. Therefore, it has been classified as a Variant of Uncertain Significance. Algorithms developed to predict the effect of missense changes on protein structure and function output the following: SIFT: "Tolerated"; PolyPhen-2: "Benign"; Align-GVGD: "Class C0". The glycine amino acid residue is found in multiple mammalian species, suggesting that this missense change does not adversely affect protein function. These predictions have not been confirmed by published functional studies and their clinical significance is uncertain. This variant has not been reported in the literature in individuals with PALB2-related conditions. ClinVar contains an entry for this variant (Variation ID: 492223). This variant is not present in population databases (ExAC no frequency). This sequence change replaces glutamic acid with glycine at codon 159 of the PALB2 protein (p.Glu159Gly). The glutamic acid residue is moderately conserved and there is a moderate physicochemical difference between glutamic acid and glycine.

Women's Health and Genetics/Laboratory Corporation of America, LabCorp
Classification: Uncertain significance. Last evaluated: 2018-10-01. Review status: criteria provided, single submitter. Criteria: LabCorp Variant Classification Summary - May 2015. Collection method: clinical testing. Allele origin: germline.
Comment: Variant summary: PALB2 c.476A>G (p.Glu159Gly) results in a non-conservative amino acid change in the encoded protein sequence. Four of five in-silico tools predict a benign effect of the variant on protein function. The variant was absent in 246214 control chromosomes. The available data on variant occurrences in the general population are insufficient to allow any conclusion about variant significance. To our knowledge, no occurrence of c.476A>G in individuals affected with Hereditary Breast and Ovarian Cancer and no experimental evidence demonstrating its impact on protein function have been reported. One clinical diagnostic laboratory has submitted clinical-significance assessments for this variant to ClinVar after 2014 without evidence for independent evaluation and classified the variant as uncertain significance. Based on the evidence outlined above, the variant was classified as uncertain significance.

NM_024675.4(PALB2):c.476A>G (p.Glu159Gly)

Gene: PALB2 (partner and localizer of BRCA2; minus strand). Cytogenetic location: 16p12.2.
Variant type: single nucleotide variant.
Coding change: c.476A>G on transcript NM_024675.4 (MANE Select); coding-DNA position 476, A replaced by G.
Protein change: p.Glu159Gly; replaces glutamic acid 159 with glycine.
Molecular consequence: missense variant.
Genome position (GRCh38, 1-based): chr16:23,636,070, T>C on the plus strand (A>G on the coding strand, the complement: PALB2 is on the minus strand). VCF-style: chr16-23636070-T-C. GRCh37 (hg19) VCF-style: chr16-23647391-T-C.
Other names: short protein forms E159G.
Identifiers: ClinVar variation 492223 (VCV000492223.18), dbSNP rs1555461786, ClinGen allele CA395137119.